The following is an entry in ClinVar:

ClinVar aggregate classification (germline): Uncertain significance (1 of 4 stars; one submission).

gnomAD v4.1: 1 of 1,614,116 alleles (0.000062%); highest among the groups gnomAD compares: Non-Finnish European, 0.000085%; no homozygotes.

Submission:

Labcorp Genetics (formerly Invitae), Labcorp
Classification: Uncertain significance. Last evaluated: 2025-05-13. Review status: criteria provided, single submitter. Criteria: Invitae Variant Classification Sherloc (09022015). Collection method: clinical testing. Allele origin: germline.
Comment: This sequence change replaces glutamic acid, which is acidic and polar, with lysine, which is basic and polar, at codon 1223 of the MYH9 protein (p.Glu1223Lys). This variant is present in population databases (rs773790950, gnomAD 0.0009%). This variant has not been reported in the literature in individuals affected with MYH9-related conditions. Invitae Evidence Modeling of protein sequence and biophysical properties (such as structural, functional, and spatial information, amino acid conservation, physicochemical variation, residue mobility, and thermodynamic stability) indicates that this missense variant is not expected to disrupt MYH9 protein function with a negative predictive value of 80%. In summary, the available evidence is currently insufficient to determine the role of this variant in disease. Therefore, it has been classified as a Variant of Uncertain Significance.

NM_002473.6(MYH9):c.3667G>A (p.Glu1223Lys)

Gene: MYH9 (myosin heavy chain 9; minus strand). Cytogenetic location: 22q12.3.
Variant type: single nucleotide variant.
Coding change: c.3667G>A on transcript NM_002473.6 (MANE Select); coding-DNA position 3667, G replaced by A.
Protein change: p.Glu1223Lys; replaces glutamic acid 1223 with lysine.
Molecular consequence: missense variant.
Genome position (GRCh38, 1-based): chr22:36,294,262, C>T on the plus strand (G>A on the coding strand, the complement: MYH9 is on the minus strand). VCF-style: chr22-36294262-C-T. GRCh37 (hg19) VCF-style: chr22-36690308-C-T.
Other names: short protein forms E1223K.
Identifiers: ClinVar variation 4746162 (VCV004746162.1).